The following is an entry in ClinVar:

ClinVar aggregate classification (germline): Uncertain significance (1 of 4 stars; one submission).

Conditions:
Retinal disorder. Also called: Retinopathy; Retinopathies; Retinal Diseases; Retinal disorders. Identifiers: MedGen C0035309, MONDO:0005283, HP:0000488.

Submission:

Genetics Laboratory, Great Ormond Street Hospital NHS Foundation Trust, North Thames Genomic Laboratory Hub
Classification: Uncertain significance for Retinal disorders. Last evaluated: 2026-03-04. Review status: criteria provided, single submitter. Criteria: ACGS Best Practice Guidelines for Variant Classification in Rare Disease 2024 v1.2. Collection method: clinical testing. Allele origin: germline. Affected: yes.
Comment: PVS1_very-strong

NM_152564.5(VPS13B):c.9331_9332insTTTTTTTTTTTTTTTTTTTTTTTTTTTTTTT (p.Tyr3111fs)

Gene: VPS13B (vacuolar protein sorting 13 homolog B; plus strand). Cytogenetic location: 8q22.2.
Variant type: Insertion.
Coding change: c.9331_9332insTTTTTTTTTTTTTTTTTTTTTTTTTTTTTTT on transcript NM_152564.5 (MANE Select); coding-DNA positions 9331 to 9332, TTTTTTTTTTTTTTTTTTTTTTTTTTTTTTT inserted.
Protein change: p.Tyr3111fs; shifts the reading frame from tyrosine 3111.
Molecular consequence: frameshift variant.
Genome position: GRCh38: chr8:99,832,369-99,832,370. GRCh37 (hg19): chr8:100,844,597-100,844,598.
Other names: c.9406_9407insTTTTTTTTTTTTTTTTTTTTTTTTTTTTTTT, p.Tyr3136fs (NM_017890.5); short protein forms Y3111fs, Y3136fs.
Identifiers: ClinVar variation 4849530 (VCV004849530.1).